The following is an entry in ClinVar:

ClinVar aggregate classification (germline): Likely benign (1 of 4 stars; one submission).

Conditions:
BMP7-related disorder. Also called: BMP7-related condition.

gnomAD v4.1: 13 of 1,612,438 alleles (0.00081%); highest among the groups gnomAD compares: Middle Eastern, 0.016%; no homozygotes.

Submission:

PreventionGenetics, part of Exact Sciences
Classification: Likely benign for BMP7-related condition. Last evaluated: 2025-04-16. Review status: criteria provided, single submitter. Criteria: ACMG Guidelines, 2015. Collection method: clinical testing. Allele origin: germline.
Comment: This variant is classified as likely benign based on ACMG/AMP sequence variant interpretation guidelines (Richards et al. 2015 PMID: 25741868, with internal and published modifications).

NM_001719.3(BMP7):c.657G>A (p.Ser219=)

Gene: BMP7 (bone morphogenetic protein 7; minus strand). Cytogenetic location: 20q13.31.
Variant type: single nucleotide variant.
Coding change: c.657G>A on transcript NM_001719.3 (MANE Select); coding-DNA position 657, G replaced by A.
Protein change: p.Ser219=; no amino-acid change (serine 219 retained).
Molecular consequence: synonymous variant.
Genome position (GRCh38, 1-based): chr20:57,202,578, C>T on the plus strand (G>A on the coding strand, the complement: BMP7 is on the minus strand). VCF-style: chr20-57202578-C-T. GRCh37 (hg19) VCF-style: chr20-55777634-C-T.
Identifiers: ClinVar variation 4989240 (VCV004989240.1).